The following is an entry in ClinVar:

NM_003924.4(PHOX2B):c.230C>T (p.Pro77Leu)

Genes: PHOX2B (paired like homeobox 2B; minus strand), PHOX2B-AS1 (PHOX2B antisense RNA 1; plus strand). Cytogenetic location: 4p13.
Variant type: single nucleotide variant.
Coding change: c.230C>T on transcript NM_003924.4 (MANE Select); coding-DNA position 230, C replaced by T.
Protein change: p.Pro77Leu; replaces proline 77 with leucine.
Molecular consequence: missense variant. On other transcripts: non-coding transcript variant (1).
Genome position (GRCh38, 1-based): chr4:41,748,381, G>A on the plus strand (C>T on the coding strand, the complement: PHOX2B is on the minus strand). VCF-style: chr4-41748381-G-A. GRCh37 (hg19) VCF-style: chr4-41750398-G-A.
Other names: short protein forms P77L.
Identifiers: ClinVar variation 5026578 (VCV005026578.1).
Genomic context (GRCh38, chr4:41,748,381, plus strand): 5'-TACGGGCGGAAAGGCGGCTTCCTCCGCTGAGAAAGCTGAAGGTCCTTACCTGCGGCGTAC[G>A]GACTGCTCTGGTGGTCCCTGAGGGTGCCCAGGCTGCAGGATCCCGGCGTGAGGGAAGGGC-3'
Protein context (NP_003915.2, residues 67-87): LGTLRDHQSS[Pro77Leu]YAAVPYKLFT

ClinVar aggregate classification (germline): Uncertain significance (1 of 4 stars; one submission).

Conditions:
Hereditary cancer-predisposing syndrome. Also called: Neoplastic Syndromes, Hereditary; Tumor predisposition; Hereditary neoplastic syndrome; Hereditary Cancer Syndrome. Identifiers: Orphanet 140162, MedGen C0027672, MeSH D009386, MONDO:0015356.

gnomAD v4.1: 1 of 1,614,158 alleles (0.000062%); highest among the groups gnomAD compares: Non-Finnish European, 0.000085%; no homozygotes.

Submission:

Ambry Genetics
Classification: Uncertain significance for Hereditary cancer-predisposing syndrome. Last evaluated: 2026-07-06. Review status: criteria provided, single submitter. Criteria: Ambry Variant Classification Scheme 2023. Collection method: clinical testing. Allele origin: germline.
Comment: The p.P77L variant (also known as c.230C>T), located in coding exon 1 of the PHOX2B gene, results from a C to T substitution at nucleotide position 230. The proline at codon 77 is replaced by leucine, an amino acid with similar properties. This amino acid position is conserved. In addition, this alteration is predicted to be deleterious by in silico analysis. Based on the available evidence, the clinical significance of this variant remains unclear.